The following is an entry in ClinVar:

ClinVar aggregate classification (germline): Uncertain significance (1 of 4 stars; one submission).

Allele frequency attached by ClinVar (database versions not stated): ExAC 0.00001.

Submission:

Labcorp Genetics (formerly Invitae), Labcorp
Classification: Uncertain significance. Last evaluated: 2022-02-28. Review status: criteria provided, single submitter. Criteria: Invitae Variant Classification Sherloc (09022015). Collection method: clinical testing. Allele origin: germline.
Comment: In summary, the available evidence is currently insufficient to determine the role of this variant in disease. Therefore, it has been classified as a Variant of Uncertain Significance. Algorithms developed to predict the effect of missense changes on protein structure and function are either unavailable or do not agree on the potential impact of this missense change (SIFT: "Deleterious"; PolyPhen-2: "Possibly Damaging"; Align-GVGD: "Class C0"). This variant has not been reported in the literature in individuals affected with RBP3-related conditions. This variant is present in population databases (rs782646008, gnomAD 0.002%). This sequence change replaces isoleucine, which is neutral and non-polar, with methionine, which is neutral and non-polar, at codon 1085 of the RBP3 protein (p.Ile1085Met).

NM_002900.3(RBP3):c.3255C>G (p.Ile1085Met)

Gene: RBP3 (retinol binding protein 3; plus strand). Cytogenetic location: 10q11.22.
Variant type: single nucleotide variant.
Coding change: c.3255C>G on transcript NM_002900.3 (MANE Select); coding-DNA position 3255, C replaced by G.
Protein change: p.Ile1085Met; replaces isoleucine 1085 with methionine.
Molecular consequence: missense variant.
Genome position (GRCh38, 1-based): chr10:47,355,385, C>G. VCF-style: chr10-47355385-C-G. GRCh37 (hg19) VCF-style: chr10-48383977-G-C.
Other names: short protein forms I1085M.
Identifiers: ClinVar variation 1392015 (VCV001392015.8), dbSNP rs782646008, ClinGen allele CA5487085.